The following is an entry in ClinVar:

NM_001267550.2(TTN):c.44548+4A>G

Gene: TTN (titin; minus strand). Cytogenetic location: 2q31.2.
Variant type: single nucleotide variant.
Coding change: c.44548+4A>G on transcript NM_001267550.2 (MANE Select); 4 bases into the intron after coding-DNA position 44548, A replaced by G.
Molecular consequence: intron variant.
Genome position (GRCh38, 1-based): chr2:178,625,269, T>C on the plus strand (A>G on the coding strand, the complement: TTN is on the minus strand). VCF-style: chr2-178625269-T-C. GRCh37 (hg19) VCF-style: chr2-179489996-T-C.
Other names: c.17353+4A>G (NM_003319.4); c.17929+4A>G (NM_133437.4); c.17728+4A>G (NM_133432.3); c.36844+4A>G (NM_133378.4); c.39625+4A>G (NM_001256850.1).
Identifiers: ClinVar variation 1779049 (VCV001779049.2), dbSNP rs2471196032, ClinGen allele CA2580065125.

ClinVar aggregate classification (germline): Uncertain significance (1 of 4 stars; one submission).

Conditions:
Cardiovascular phenotype. Identifiers: MedGen CN230736.

Submission:

Ambry Genetics
Classification: Uncertain significance for Cardiovascular phenotype. Last evaluated: 2022-07-27. Review status: criteria provided, single submitter. Criteria: Ambry Variant Classification Scheme 2023. Collection method: clinical testing. Allele origin: germline.
Comment: The c.17353+4A>G intronic variant results from an A to G substitution 4 nucleotides after coding exon 68 in the TTN gene. This nucleotide position is highly conserved in available vertebrate species. In silico splice site analysis predicts that this alteration will not have any significant effect on splicing. Since supporting evidence is limited at this time, the clinical significance of this alteration remains unclear.